The following is an entry in ClinVar:

NM_000492.4(CFTR):c.839C>A (p.Ala280Glu)

Gene: CFTR (CF transmembrane conductance regulator; plus strand). Cytogenetic location: 7q31.2.
Variant type: single nucleotide variant.
Coding change: c.839C>A on transcript NM_000492.4 (MANE Select); coding-DNA position 839, C replaced by A.
Protein change: p.Ala280Glu; replaces alanine 280 with glutamic acid.
Molecular consequence: missense variant.
Genome position (GRCh38, 1-based): chr7:117,536,643, C>A. VCF-style: chr7-117536643-C-A. GRCh37 (hg19) VCF-style: chr7-117176697-C-A.
Other names: short protein forms A280E.
Identifiers: ClinVar variation 3231934 (VCV003231934.1), dbSNP rs2485020432, ClinGen allele CA368977524.
Genomic context (GRCh38, chr7:117,536,643, plus strand): 5'-TGATTACCTCAGAAATGATTGAAAATATCCAATCTGTTAAGGCATACTGCTGGGAAGAAG[C>A]AATGGAAAAAATGATTGAAAACTTAAGACAGTAAGTTGTTCCAATAATTTCAATATTGTT-3'
Protein context (NP_000483.3, residues 270-290): QSVKAYCWEE[Ala280Glu]MEKMIENLRQ

ClinVar aggregate classification (germline): Uncertain significance (1 of 4 stars; one submission).

Conditions:
Cystic fibrosis (CF). Also called: MUCOVISCIDOSIS. Identifiers: Orphanet 586, MedGen C0010674, MONDO:0009061, OMIM 219700. Disease mechanism: loss of function.

Submission:

Ambry Genetics
Classification: Uncertain significance for Cystic fibrosis. Last evaluated: 2023-09-30. Review status: criteria provided, single submitter. Criteria: Ambry Variant Classification Scheme 2023. Collection method: clinical testing. Allele origin: germline.
Comment: The p.A280E variant (also known as c.839C>A), located in coding exon 7 of the CFTR gene, results from a C to A substitution at nucleotide position 839. The alanine at codon 280 is replaced by glutamic acid, an amino acid with dissimilar properties. This amino acid position is conserved. In addition, the in silico prediction for this alteration is inconclusive. Since supporting evidence is limited at this time, the clinical significance of this alteration remains unclear.